The following is an entry in ClinVar:

NM_003242.6(TGFBR2):c.1486G>A (p.Gly496Arg)

Gene: TGFBR2 (transforming growth factor beta receptor 2; plus strand). Cytogenetic location: 3p24.1.
Variant type: single nucleotide variant.
Coding change: c.1486G>A on transcript NM_003242.6 (MANE Select); coding-DNA position 1486, G replaced by A.
Protein change: p.Gly496Arg; replaces glycine 496 with arginine.
Molecular consequence: missense variant.
Genome position (GRCh38, 1-based): chr3:30,688,473, G>A. VCF-style: chr3-30688473-G-A. GRCh37 (hg19) VCF-style: chr3-30729965-G-A.
Other names: c.1561G>A, p.Gly521Arg (NM_001024847.3); c.1669G>A, p.Gly557Arg (NM_001407126.1); c.1594G>A, p.Gly532Arg (NM_001407127.1); c.1513G>A, p.Gly505Arg (NM_001407128.1); c.1489G>A, p.Gly497Arg (NM_001407129.1); c.1483G>A, p.Gly495Arg (NM_001407130.1); c.1381G>A, p.Gly461Arg (NM_001407132.1, NM_001407133.1, NM_001407134.1 and 2 more transcripts); c.1201G>A, p.Gly401Arg (NM_001407137.1); and 2 more; short protein forms G206R, G376R, G401R, G461R, G495R, G496R, G497R, G505R.
Identifiers: ClinVar variation 3072524 (VCV003072524.1), dbSNP rs2125452099, ClinGen allele CA351809382.

ClinVar aggregate classification (germline): Uncertain significance (1 of 4 stars; one submission).

Conditions:
Loeys-Dietz syndrome 2 (LDS2). Also called: TGFBR2-Related Loeys-Dietz Syndrome; AORTIC ANEURYSM, FAMILIAL THORACIC 3; MARFAN SYNDROME, TYPE II; Marfan syndrome, type 2 (formerly); Marfan Syndrome type 2; Marfan like connective tissue disorder. Identifiers: Orphanet 284973, Orphanet 558, MedGen C2674574, MONDO:0012427, OMIM 610168.

Allele frequency attached by ClinVar (database versions not stated): gnomAD exomes below 0.00001.
gnomAD v4.1: 1 of 1,614,216 alleles (0.000062%); highest among the groups gnomAD compares: Non-Finnish European, 0.000085%; no homozygotes.

Submission:

All of Us Research Program, National Institutes of Health
Classification: Uncertain significance for Loeys-Dietz syndrome 2. Last evaluated: 2023-08-15. Review status: criteria provided, single submitter. Criteria: ACMG Guidelines, 2015. Collection method: clinical testing. Allele origin: germline. Inheritance: Autosomal dominant inheritance. Observed: 1 variant allele, 1 heterozygote.
Comment: This study involves interpretation of variants in research participants for the purpose of population health screening. Participant phenotype was not available at the time of variant classification. Additional details can be found in publication PMID: 35346344, PMCID: PMC8962531